The following is an entry in ClinVar:

ClinVar aggregate classification (germline): Uncertain significance. Review status: criteria provided, multiple submitters, no conflicts (2 of 4 stars). 2 submissions from 2 submitters: Uncertain significance (2). Last evaluated 2024-02-15.

Conditions:
Autosomal dominant childhood-onset proximal spinal muscular atrophy without contractures. Also called: KUGELBERG-WELANDER SYNDROME, AUTOSOMAL DOMINANT; SPINAL MUSCULAR ATROPHY, JUVENILE, PROXIMAL, AUTOSOMAL DOMINANT; Spinal muscular atrophy, lower extremity-predominant 1, AD; SPINAL MUSCULAR ATROPHY, CHILDHOOD, PROXIMAL, AUTOSOMAL DOMINANT. Identifiers: Orphanet 209341, Orphanet 363447, MedGen C5780022, MONDO:0008026, OMIM 158600.
Charcot-Marie-Tooth disease axonal type 2O. Also called: Charcot-Marie-Tooth disease, axonal, type 20; CHARCOT-MARIE-TOOTH NEUROPATHY, AXONAL, TYPE 2O; CHARCOT-MARIE-TOOTH DISEASE, AXONAL, AUTOSOMAL DOMINANT, TYPE 2O; Charcot-Marie-Tooth Neuropathy Type 2O. Identifiers: Orphanet 284232, MedGen C3280220, MONDO:0013644, OMIM 614228.
Cortical dysplasia, complex, with other brain malformations 13. Also called: Intellectual disability, autosomal dominant 13. Identifiers: MedGen C3281202, MONDO:0013805, OMIM 614563.

gnomAD v4.1: 1 of 1,614,144 alleles (0.000062%); no homozygotes.

Submissions (2):

Labcorp Genetics (formerly Invitae), Labcorp
Classification: Uncertain significance for Charcot-Marie-Tooth disease axonal type 2O. Last evaluated: 2024-02-15. Review status: criteria provided, single submitter. Criteria: Invitae Variant Classification Sherloc (09022015). Collection method: clinical testing. Allele origin: germline.
Comment: This sequence change replaces alanine, which is neutral and non-polar, with threonine, which is neutral and polar, at codon 4495 of the DYNC1H1 protein (p.Ala4495Thr). This variant is not present in population databases (gnomAD no frequency). This variant has not been reported in the literature in individuals affected with DYNC1H1-related conditions. ClinVar contains an entry for this variant (Variation ID: 625934). Advanced modeling of protein sequence and biophysical properties (such as structural, functional, and spatial information, amino acid conservation, physicochemical variation, residue mobility, and thermodynamic stability) performed at Invitae indicates that this missense variant is not expected to disrupt DYNC1H1 protein function with a negative predictive value of 95%. In summary, the available evidence is currently insufficient to determine the role of this variant in disease. Therefore, it has been classified as a Variant of Uncertain Significance.

Center for Genomics, Ann and Robert H. Lurie Children's Hospital of Chicago
Classification: Uncertain significance for Charcot-Marie-Tooth disease axonal type 2O; Autosomal dominant childhood-onset proximal spinal muscular atrophy without contractures; Cortical dysplasia, complex, with other brain malformations 13. Review status: criteria provided, single submitter. Criteria: ACMG Guidelines, 2015. Collection method: clinical testing. Allele origin: germline.
Comment: DYNC1H1 NM_001376.4 exon 75 p.Ala4495Thr (c.13483G>A): This variant has not been reported in the literature and is not present in large control databases. Evolutionary conservation and computational predictive tools for this variant are unclear. In summary, data on this variant is insufficient for disease classification. Therefore, the clinical significance of this variant is uncertain.

NM_001376.5(DYNC1H1):c.13483G>A (p.Ala4495Thr)

Gene: DYNC1H1 (dynein cytoplasmic 1 heavy chain 1; plus strand). Cytogenetic location: 14q32.31.
Variant type: single nucleotide variant.
Coding change: c.13483G>A on transcript NM_001376.5 (MANE Select); coding-DNA position 13483, G replaced by A.
Protein change: p.Ala4495Thr; replaces alanine 4495 with threonine.
Molecular consequence: missense variant.
Genome position (GRCh38, 1-based): chr14:102,049,550, G>A. VCF-style: chr14-102049550-G-A. GRCh37 (hg19) VCF-style: chr14-102515887-G-A.
Other names: short protein forms A4495T.
Identifiers: ClinVar variation 625934 (VCV000625934.8), dbSNP rs1567026040, ClinGen allele CA391049502.